The following is an entry in ClinVar:

NM_021096.4(CACNA1I):c.2980C>G (p.Leu994Val)

Gene: CACNA1I (calcium voltage-gated channel subunit alpha1 I; plus strand). Cytogenetic location: 22q13.1.
Variant type: single nucleotide variant.
Coding change: c.2980C>G on transcript NM_021096.4 (MANE Select); coding-DNA position 2980, C replaced by G.
Protein change: p.Leu994Val; replaces leucine 994 with valine.
Molecular consequence: missense variant.
Genome position (GRCh38, 1-based): chr22:39,662,043, C>G. VCF-style: chr22-39662043-C-G. GRCh37 (hg19) VCF-style: chr22-40058048-C-G.
Other names: c.2875C>G, p.Leu959Val (NM_001003406.2); short protein forms L959V, L994V.
Identifiers: ClinVar variation 3769117 (VCV003769117.2).

ClinVar aggregate classification (germline): Uncertain significance (1 of 4 stars; one submission).

gnomAD v4.1: 1 of 1,566,350 alleles (0.000064%); highest among the groups gnomAD compares: Non-Finnish European, 0.000086%; no homozygotes.

Submission:

Women's Health and Genetics/Laboratory Corporation of America, LabCorp
Classification: Uncertain significance. Last evaluated: 2025-01-30. Review status: criteria provided, single submitter. Criteria: LabCorp Variant Classification Summary - May 2015. Collection method: clinical testing. Allele origin: germline.
Comment: Variant summary: CACNA1I c.2980C>G (p.Leu994Val) results in a conservative amino acid change in the encoded protein sequence. Three of five in-silico tools predict a benign effect of the variant on protein function. The frequency data for this variant in gnomAD is considered unreliable, as metrics indicate poor data quality at this position. To our knowledge, no occurrence of c.2980C>G in individuals affected with Neurodevelopmental Disorder With Speech Impairment And With Or Without Seizures and no experimental evidence demonstrating its impact on protein function have been reported. No submitters have cited clinical-significance assessments for this variant to ClinVar. Based on the evidence outlined above, the variant was classified as uncertain significance.